The following is an entry in ClinVar:

NM_000071.3(CBS):c.1310T>C (p.Ile437Thr)

Gene: CBS (cystathionine beta-synthase; minus strand). Cytogenetic location: 21q22.3.
Variant type: single nucleotide variant.
Coding change: c.1310T>C on transcript NM_000071.3 (MANE Select); coding-DNA position 1310, T replaced by C.
Protein change: p.Ile437Thr; replaces isoleucine 437 with threonine.
Molecular consequence: missense variant.
Genome position (GRCh38, 1-based): chr21:43,058,882, A>G on the plus strand (T>C on the coding strand, the complement: CBS is on the minus strand). VCF-style: chr21-43058882-A-G. GRCh37 (hg19) VCF-style: chr21-44478992-A-G.
Other names: c.1310T>C, p.Ile437Thr (NM_001178008.3, NM_001178009.3, NM_001320298.2); c.995T>C, p.Ile332Thr (NM_001321072.1); short protein forms I332T, I437T.
Identifiers: ClinVar variation 1306758 (VCV001306758.2), dbSNP rs2146341072, ClinGen allele CA410397070.

ClinVar aggregate classification (germline): Uncertain significance (1 of 4 stars; one submission).

Submission:

GeneDx
Classification: Uncertain significance. Last evaluated: 2019-07-09. Review status: criteria provided, single submitter. Criteria: GeneDx Variant Classification Process June 2021. Collection method: clinical testing. Allele origin: germline. Affected: yes.
Comment: Yeast functional assay indicated variant had activity comparable to wild-type cystathionine beta-synthase and expression of the variant in cis with pathogenic variants demonstrated rescue of the yeast phenotype and enzyme activity (Shan et al., 2001); Not observed in large population cohorts (Lek et al., 2016); In silico analysis, which includes protein predictors and evolutionary conservation, supports a deleterious effect; This variant is associated with the following publications: (PMID: 17069888, 11230183)